The following is an entry in ClinVar:

ClinVar aggregate classification (germline): Uncertain significance (1 of 4 stars; one submission).

gnomAD v4.1: 18 of 1,613,974 alleles (0.0011%); highest among the groups gnomAD compares: Admixed American, 0.005%; no homozygotes.

Submission:

GeneDx
Classification: Uncertain significance. Last evaluated: 2025-04-30. Review status: criteria provided, single submitter. Criteria: GeneDx Variant Classification Process June 2021. Collection method: clinical testing. Allele origin: germline. Affected: yes.
Comment: Not observed at significant frequency in large population cohorts (gnomAD); In silico analysis indicates that this missense variant does not alter protein structure/function; Has not been previously published as pathogenic or benign to our knowledge

NM_001083961.2(WDR62):c.2613G>C (p.Glu871Asp)

Gene: WDR62 (WD repeat domain 62; plus strand). Cytogenetic location: 19q13.12.
Variant type: single nucleotide variant.
Coding change: c.2613G>C on transcript NM_001083961.2 (MANE Select); coding-DNA position 2613, G replaced by C.
Protein change: p.Glu871Asp; replaces glutamic acid 871 with aspartic acid.
Molecular consequence: missense variant.
Genome position (GRCh38, 1-based): chr19:36,099,491, G>C. VCF-style: chr19-36099491-G-C. GRCh37 (hg19) VCF-style: chr19-36590393-G-C.
Other names: c.2598G>C, p.Glu866Asp (NM_001411145.1); c.2613G>C, p.Glu871Asp (NM_001411146.1, NM_173636.5); c.2262G>C, p.Glu754Asp (NM_001411147.1); short protein forms E754D, E866D, E871D.
Identifiers: ClinVar variation 4527517 (VCV004527517.1).